The following is an entry in ClinVar:

ClinVar aggregate classification (germline): Uncertain significance (1 of 4 stars; one submission).

Conditions:
Familial adenomatous polyposis 1 (FAP1). Also called: FAMILIAL ADENOMATOUS POLYPOSIS 1, ATTENUATED; POLYPOSIS, ADENOMATOUS INTESTINAL. Identifiers: MedGen C2713442, MONDO:0021056, OMIM 175100. Disease mechanism: loss of function.

Submission:

Labcorp Genetics (formerly Invitae), Labcorp
Classification: Uncertain significance for Familial adenomatous polyposis 1. Last evaluated: 2025-11-05. Review status: criteria provided, single submitter. Criteria: Invitae Variant Classification Sherloc (09022015). Collection method: clinical testing. Allele origin: germline.
Comment: This sequence change replaces threonine, which is neutral and polar, with isoleucine, which is neutral and non-polar, at codon 1661 of the APC protein (p.Thr1661Ile). This variant is not present in population databases (gnomAD no frequency). This variant has not been reported in the literature in individuals affected with APC-related conditions. Invitae Evidence Modeling of protein sequence and biophysical properties (such as structural, functional, and spatial information, amino acid conservation, physicochemical variation, residue mobility, and thermodynamic stability) indicates that this missense variant is not expected to disrupt APC protein function with a negative predictive value of 95%. In summary, the available evidence is currently insufficient to determine the role of this variant in disease. Therefore, it has been classified as a Variant of Uncertain Significance.

NM_000038.6(APC):c.4982C>T (p.Thr1661Ile)

Gene: APC (APC regulator of Wnt signaling pathway; plus strand). Cytogenetic location: 5q22.2.
Variant type: single nucleotide variant.
Coding change: c.4982C>T on transcript NM_000038.6 (MANE Select); coding-DNA position 4982, C replaced by T.
Protein change: p.Thr1661Ile; replaces threonine 1661 with isoleucine.
Molecular consequence: missense variant. On other transcripts: non-coding transcript variant (2).
Genome position (GRCh38, 1-based): chr5:112,840,576, C>T. VCF-style: chr5-112840576-C-T. GRCh37 (hg19) VCF-style: chr5-112176273-C-T.
Other names: c.4982C>T, p.Thr1661Ile (NM_001127510.3, NM_001354895.2, NM_001407450.1); c.4928C>T, p.Thr1643Ile (NM_001127511.3); c.5036C>T, p.Thr1679Ile (NM_001354896.2, NM_001407447.1, NM_001407448.1 and 1 more transcripts); c.5012C>T, p.Thr1671Ile (NM_001354897.2); c.4907C>T, p.Thr1636Ile (NM_001354898.2); c.4898C>T, p.Thr1633Ile (NM_001354899.2); c.4859C>T, p.Thr1620Ile (NM_001354900.2); c.4805C>T, p.Thr1602Ile (NM_001354901.2, NM_001407453.1); and 11 more; short protein forms T1535I, T1636I, T1651I, T1679I, T1501I, T1560I, T1633I, T1643I.
Identifiers: ClinVar variation 4773783 (VCV004773783.1).
Genomic context (GRCh38, chr5:112,840,576, plus strand): 5'-TGTATTGTGTTGAAGGGACACCTATAAACTTTTCCACAGCTACATCTCTAAGTGATCTAA[C>T]AATCGAATCCCCTCCAAATGAGTTAGCTGCTGGAGAAGGAGTTAGAGGAGGGGCACAGTC-3'
Protein context (NP_000029.2, residues 1651-1671): FSTATSLSDL[Thr1661Ile]IESPPNELAA